The following is an entry in ClinVar:

ClinVar aggregate classification (germline): Benign (1 of 4 stars; one submission).

Conditions:
Lynch syndrome 5 (LYNCH5). Also called: Colorectal cancer, hereditary nonpolyposis, type 5; Hereditary non-polyposis colorectal cancer, type 5. Identifiers: Orphanet 144, MedGen C1833477, MONDO:0013710, OMIM 614350. Disease mechanism: loss of function.

Submission:

Myriad Genetics, Inc.
Classification: Benign for Lynch syndrome 5. Last evaluated: 2025-01-07. Review status: criteria provided, single submitter. Criteria: Myriad Autosomal Dominant, Autosomal Recessive and X-Linked Classification Criteria (2023). Collection method: clinical testing. Allele origin: unknown.
Comment: This variant is considered benign. This variant is intronic and is not expected to impact mRNA splicing.

NM_000179.3(MSH6):c.3646+27_3646+28del

Gene: MSH6 (mutS homolog 6; plus strand). Cytogenetic location: 2p16.3.
Variant type: Deletion.
Coding change: c.3646+27_3646+28del on transcript NM_000179.3 (MANE Select); bases 27 to 28 of the intron after coding-DNA position 3646, 2 bases deleted (GA; older notation c.3646+27_3646+28delGA).
Molecular consequence: intron variant.
Genome position (GRCh38, 1-based): chr2:47,805,734-47,805,735, GA deleted; deleting any 2 consecutive bases within chr2:47,805,733-47,805,735 gives the same sequence; the c. name uses the placement nearest the transcript's 3' end. VCF-style (leftmost placement, unchanged base first): chr2-47805732-AAG-A. GRCh37 (hg19) VCF-style: chr2-48032871-AAG-A.
Other names: c.3646+27_3646+28del (NM_001406809.1, NM_001406796.1, NM_001406808.1 and 1 more transcripts); c.2740+27_2740+28del (NM_001406811.1, NM_001406814.1, NM_001281493.2 and 6 more transcripts); c.3349+27_3349+28del (NM_001406805.1, NM_001406797.1, NM_001406801.1 and 10 more transcripts); c.3742+27_3742+28del (NM_001406795.1, NM_001406802.1); c.3652+27_3652+28del (NM_001406813.1); c.3121+27_3121+28del (NM_001406807.1, NM_001406799.1, NM_001406806.1); c.3472+27_3472+28del (NM_001406798.1); c.2782+27_2782+28del (NM_001406803.1); and 7 more.
Identifiers: ClinVar variation 3903453 (VCV003903453.1).